The following is an entry in ClinVar:

ClinVar aggregate classification (germline): Uncertain significance (1 of 4 stars; one submission).

Conditions:
Inborn genetic diseases. Identifiers: MedGen C0950123, MeSH D030342.

Submission:

Ambry Genetics
Classification: Uncertain significance for Inborn genetic diseases. Last evaluated: 2016-06-11. Review status: criteria provided, single submitter. Criteria: Ambry Variant Classification Scheme 2023. Collection method: clinical testing. Allele origin: germline.
Comment: The p.C563R variant (also known as c.1687T>C), located in coding exon 11 of the CNTNAP2 gene, results from a T to C substitution at nucleotide position 1687. The cysteine at codon 563 is replaced by arginine, an amino acid with highly dissimilar properties. This variant was not reported in population based cohorts in the following databases: Database of Single Nucleotide Polymorphisms (dbSNP), NHLBI Exome Sequencing Project (ESP), and 1000 Genomes Project. In the ESP, this variant was not observed in 6503 samples (13006 alleles) with coverage at this position. This amino acid position is highly conserved in available vertebrate species. In addition, this alteration is predicted to be deleterious by in silico analysis. Since supporting evidence is limited at this time, the clinical significance of this variant remains unclear.

NM_014141.6(CNTNAP2):c.1687T>C (p.Cys563Arg)

Gene: CNTNAP2 (contactin associated protein 2; plus strand). Cytogenetic location: 7q35.
Variant type: single nucleotide variant.
Coding change: c.1687T>C on transcript NM_014141.6 (MANE Select); coding-DNA position 1687, T replaced by C.
Protein change: p.Cys563Arg; replaces cysteine 563 with arginine.
Molecular consequence: missense variant.
Genome position (GRCh38, 1-based): chr7:147,485,951, T>C. VCF-style: chr7-147485951-T-C. GRCh37 (hg19) VCF-style: chr7-147183043-T-C.
Other names: short protein forms C563R.
Identifiers: ClinVar variation 589841 (VCV000589841.5), dbSNP rs973983567, ClinGen allele CA168734897.
Genomic context (GRCh38, chr7:147,485,951, plus strand): 5'-CATTTGTTTGTTGGTTTATTTCTGTTTGTCTCTCTCTCTGACAGATGTGTGCCCAATCAC[T>C]GTGAGCATGGTGGAAAGTGCTCGCAAACATGGGACAGCTTCAAATGCACTTGTGATGAGA-3'
Protein context (NP_054860.1, residues 553-573): AIIDRCVPNH[Cys563Arg]EHGGKCSQTW